The following is an entry in ClinVar:

NM_017763.6(RNF43):c.1949_1955del (p.Arg650fs)

Gene: RNF43 (ring finger protein 43; minus strand). Cytogenetic location: 17q22.
Variant type: Deletion.
Coding change: c.1949_1955del on transcript NM_017763.6 (MANE Select); coding-DNA positions 1949 to 1955, 7 bases deleted (GACACCC; older notation c.1949_1955delGACACCC).
Protein change: p.Arg650fs; shifts the reading frame from arginine 650.
Molecular consequence: frameshift variant.
Genome position (GRCh38, 1-based): chr17:58,357,821-58,357,827, GGGTGTC deleted on the plus strand (GACACCC on the coding strand, the reverse complement: RNF43 is on the minus strand); deleting any 7 consecutive bases within chr17:58,357,821-58,357,830 gives the same sequence; the c. name uses the placement nearest the transcript's 3' end. VCF-style (leftmost placement, unchanged base first): chr17-58357820-TGGGTGTC-T. GRCh37 (hg19) VCF-style: chr17-56435181-TGGGTGTC-T.
Other names: c.1949_1955del, p.Arg650fs (NM_001305544.3, NM_001438820.1, NM_001438821.1 and 1 more transcripts); c.1568_1574del, p.Arg523fs (NM_001305545.2, NM_001437987.1); short protein forms R523fs, R650fs.
Identifiers: ClinVar variation 4856703 (VCV004856703.1).
Genomic context (GRCh38, chr17:58,357,820, plus strand): 5'-TGCATCCTGGGGCCGAGAGCCAGGGGTGGGCTCGGAGGGACCCCCCCGCCTTTTCCTCTG[TGGGTGTC>T]GGGCAGAGAGGCTGGATTTTTGCAAGTTGAACAGACTGCTGGTACTGGGGCAGATGCTGG-3'

ClinVar aggregate classification (germline): Likely pathogenic (1 of 4 stars; one submission).

Conditions:
Sessile serrated polyposis cancer syndrome (SSPCS). Identifiers: Orphanet 157798, MedGen C4310714, MONDO:0014919, OMIM 617108.

Submission:

Myriad Genetics, Inc.
Classification: Likely pathogenic for Sessile serrated polyposis cancer syndrome. Last evaluated: 2026-02-04. Review status: criteria provided, single submitter. Criteria: Myriad Autosomal Dominant, Autosomal Recessive and X-Linked Classification Criteria (2023). Collection method: clinical testing. Allele origin: unknown.
Comment: This variant is considered likely pathogenic. This variant creates a frameshift predicted to result in premature protein truncation.